The following is an entry in ClinVar:

NM_006033.4(LIPG):c.968C>T (p.Ala323Val)

Gene: LIPG (lipase G, endothelial type; plus strand). Cytogenetic location: 18q21.1.
Variant type: single nucleotide variant.
Coding change: c.968C>T on transcript NM_006033.4 (MANE Select); coding-DNA position 968, C replaced by T.
Protein change: p.Ala323Val; replaces alanine 323 with valine.
Molecular consequence: missense variant.
Genome position (GRCh38, 1-based): chr18:49,581,589, C>T. VCF-style: chr18-49581589-C-T. GRCh37 (hg19) VCF-style: chr18-47107959-C-T.
Other names: c.746C>T, p.Ala249Val (NM_001308006.2); short protein forms A249V, A323V.
Identifiers: ClinVar variation 3719513 (VCV003719513.2).

ClinVar aggregate classification (germline): Uncertain significance (1 of 4 stars; one submission).

Submission:

Labcorp Genetics (formerly Invitae), Labcorp
Classification: Uncertain significance. Last evaluated: 2024-10-14. Review status: criteria provided, single submitter. Criteria: Invitae Variant Classification Sherloc (09022015). Collection method: clinical testing. Allele origin: germline.
Comment: This sequence change replaces alanine, which is neutral and non-polar, with valine, which is neutral and non-polar, at codon 323 of the LIPG protein (p.Ala323Val). This variant is present in population databases (no rsID available, gnomAD 0.0009%). This variant has not been reported in the literature in individuals affected with LIPG-related conditions. An algorithm developed to predict the effect of missense changes on protein structure and function (PolyPhen-2) suggests that this variant is likely to be tolerated. In summary, the available evidence is currently insufficient to determine the role of this variant in disease. Therefore, it has been classified as a Variant of Uncertain Significance.